The following is an entry in ClinVar:

ClinVar aggregate classification (germline): Benign/Likely benign. Review status: criteria provided, multiple submitters, no conflicts (2 of 4 stars). 10 submissions from 10 submitters: Benign (7); Likely benign (1). 2 of the submissions do not count toward it. Last evaluated 2026-04-27.

Conditions:
Microcephaly 1, primary, autosomal recessive (MCPH1). Also called: PREMATURE CHROMOSOME CONDENSATION SYNDROME; PCC SYNDROME; PREMATURE CHROMOSOME CONDENSATION WITH MICROCEPHALY AND MENTAL RETARDATION. Identifiers: Orphanet 2512, MedGen C1855081, MONDO:0009617, OMIM 251200.

Allele frequency attached by ClinVar (database versions not stated): gnomAD 0.13225 and 0.13539; ESP Exome Variant Server 0.13296; TOPMed 0.13460; 1000 Genomes Project 0.14637; 1000 Genomes Project 30x 0.14741.
gnomAD v4.1: 244,632 of 1,613,986 alleles (15%); highest among the groups gnomAD compares: Middle Eastern, 24%; 19,359 homozygotes.

Submissions (10):

Women's Health and Genetics/Laboratory Corporation of America, LabCorp
Classification: Likely benign. Last evaluated: 2026-04-27. Review status: criteria provided, single submitter. Criteria: LabCorp Variant Classification Summary - May 2015. Collection method: clinical testing. Allele origin: germline.

Labcorp Genetics (formerly Invitae), Labcorp
Classification: Benign. Last evaluated: 2026-02-04. Review status: criteria provided, single submitter. Criteria: Invitae Variant Classification Sherloc (09022015). Collection method: clinical testing. Allele origin: germline.

Blueprint Genetics
Classification: Benign. Last evaluated: 2024-11-27. Review status: criteria provided, single submitter. Criteria: ACMG Guidelines, 2015. Collection method: clinical testing. Allele origin: germline.

Illumina Laboratory Services, Illumina
Classification: Benign for Microcephaly 1, primary, autosomal recessive. Last evaluated: 2018-01-13. Review status: criteria provided, single submitter. Criteria: ICSL Variant Classification Criteria 13 December 2019. Collection method: clinical testing. Allele origin: germline.
Comment: This variant was observed in the ICSL laboratory as part of a predisposition screen in an ostensibly healthy population. It had not been previously curated by ICSL or reported in the Human Gene Mutation Database (HGMD: prior to June 1st, 2018), and was therefore a candidate for classification through an automated scoring system. Utilizing variant allele frequency, disease prevalence and penetrance estimates, and inheritance mode, an automated score was calculated to assess if this variant is too frequent to cause the disease. Based on the score and internal cut-off values, a variant classified as benign is not then subjected to further curation. The score for this variant resulted in a classification of benign for this disease.

Athena Diagnostics
Classification: Benign. Last evaluated: 2017-08-02. Review status: criteria provided, single submitter. Criteria: Athena Diagnostics Criteria. Collection method: clinical testing. Allele origin: germline.

GeneDx
Classification: Benign. Last evaluated: 2015-03-03. Review status: criteria provided, single submitter. Criteria: GeneDx Variant Classification Process June 2021. Collection method: clinical testing. Allele origin: germline. Affected: yes.

Genetic Services Laboratory, University of Chicago
Classification: Benign. Last evaluated: 2013-02-08. Review status: criteria provided, single submitter. Criteria: ACMG Guidelines, 2007. Collection method: clinical testing. Allele origin: germline. Inheritance: Autosomal recessive inheritance.

Breakthrough Genomics
Classification: Benign. Review status: criteria provided, single submitter. Criteria: ACMG Guidelines, 2015. Collection method: not provided. Allele origin: germline. Inheritance: Autosomal recessive inheritance. Affected: yes.

Clinical Genetics DNA and cytogenetics Diagnostics Lab, Erasmus MC, Erasmus Medical Center
Classification: Benign. Review status: no assertion criteria provided. Collection method: clinical testing. Allele origin: germline. Affected: yes. Study: VKGL Data-share Consensus. Not counted in ClinVar's aggregate classification.

Joint Genome Diagnostic Labs from Nijmegen and Maastricht, Radboudumc and MUMC+
Classification: Benign. Review status: no assertion criteria provided. Collection method: clinical testing. Allele origin: germline. Affected: yes. Study: VKGL Data-share Consensus. Not counted in ClinVar's aggregate classification.

NM_024596.5(MCPH1):c.2045C>A (p.Thr682Asn)

Gene: MCPH1 (microcephalin 1; plus strand). Cytogenetic location: 8p23.1.
Variant type: single nucleotide variant.
Coding change: c.2045C>A on transcript NM_024596.5 (MANE Select); coding-DNA position 2045, C replaced by A.
Protein change: p.Thr682Asn; replaces threonine 682 with asparagine.
Molecular consequence: missense variant. On other transcripts: intron variant (1).
Genome position (GRCh38, 1-based): chr8:6,480,785, C>A. VCF-style: chr8-6480785-C-A. GRCh37 (hg19) VCF-style: chr8-6338306-C-A.
Other names: c.2045C>A, p.Thr682Asn (NM_001322042.2, NM_001363979.1); c.1935+25533C>A (NM_001363980.2); short protein forms T682N.
Identifiers: ClinVar variation 158834 (VCV000158834.24), dbSNP rs12674488, ClinGen allele CA172500.